The following is an entry in ClinVar:

NM_020223.4(FAM20C):c.1152C>T (p.Ile384=)

Gene: FAM20C (FAM20C golgi associated secretory pathway kinase; plus strand). Cytogenetic location: 7p22.3.
Variant type: single nucleotide variant.
Coding change: c.1152C>T on transcript NM_020223.4 (MANE Select); coding-DNA position 1152, C replaced by T.
Protein change: p.Ile384=; no amino-acid change (isoleucine 384 retained).
Molecular consequence: synonymous variant.
Genome position (GRCh38, 1-based): chr7:255,928, C>T. VCF-style: chr7-255928-C-T. GRCh37 (hg19) VCF-style: chr7-295894-C-T.
Identifiers: ClinVar variation 286843 (VCV000286843.17), dbSNP rs373614292, ClinGen allele CA4109131.
Genomic context (GRCh38, chr7:255,928, plus strand): 5'-CGGCGAGTGTTCCTACTACTGCTCCACGGAGCACGCCCTGTGCGGGAAGCCAGACCAGAT[C>T]GAGGGCTCGCTGGCGGCCTTCCTGCCCGACCTGTCCCTGGCCAAGAGGAAGACCTGGCGG-3'
Protein context (NP_064608.2, residues 374-394): EHALCGKPDQ[Ile384=]EGSLAAFLPD

ClinVar aggregate classification (germline): Conflicting classifications of pathogenicity. Review status: criteria provided, conflicting classifications (1 of 4 stars). 3 submissions from 3 submitters: Uncertain significance (1); Likely benign (1). 1 of the submissions does not count toward it. Last evaluated 2025-11-02.

Conditions:
FAM20C-related disorder. Also called: FAM20C-related condition.

Allele frequency attached by ClinVar (database versions not stated): gnomAD exomes 0.00006; ExAC 0.00012; 1000 Genomes Project 30x 0.00031; gnomAD 0.00031 and 0.00034; 1000 Genomes Project 0.00040; ESP Exome Variant Server 0.00044; TOPMed 0.00063.
gnomAD v4.1: 105 of 1,536,368 alleles (0.0068%); highest among the groups gnomAD compares: Admixed American, 0.13%; no homozygotes.

Submissions (3):

Labcorp Genetics (formerly Invitae), Labcorp
Classification: Likely benign. Last evaluated: 2025-11-02. Review status: criteria provided, single submitter. Criteria: Invitae Variant Classification Sherloc (09022015). Collection method: clinical testing. Allele origin: germline.

Eurofins Ntd Llc (ga)
Classification: Uncertain significance. Last evaluated: 2018-07-31. Review status: criteria provided, single submitter. Criteria: EGL ClinVar v180209 classification definitions. Collection method: clinical testing. Allele origin: germline. Observed: 3 variant alleles, 3 heterozygotes.

PreventionGenetics, part of Exact Sciences
Classification: Likely benign for FAM20C-related condition. Last evaluated: 2019-11-21. Review status: no assertion criteria provided. Collection method: clinical testing. Allele origin: germline. Not counted in ClinVar's aggregate classification.
Comment: This variant is classified as likely benign based on ACMG/AMP sequence variant interpretation guidelines (Richards et al. 2015 PMID: 25741868, with internal and published modifications).